The following is an entry in ClinVar:

ClinVar aggregate classification (germline): Likely benign. Review status: criteria provided, multiple submitters, no conflicts (2 of 4 stars). 2 submissions from 2 submitters: Likely benign (2). Last evaluated 2025-11-17.

Conditions:
Dilated cardiomyopathy 1AA (CMD1AA). Also called: CARDIOMYOPATHY, DILATED, 1AA, WITH OR WITHOUT LEFT VENTRICULAR NONCOMPACTION; CARDIOMYOPATHY, FAMILIAL HYPERTROPHIC, 23, WITH OR WITHOUT LEFT VENTRICULAR NONCOMPACTION; Cardiomyopathy, dilated, 1AA, with or without LVNC. Identifiers: Orphanet 154, MedGen C2677338, MONDO:0012808, OMIM 612158.
Primary familial hypertrophic cardiomyopathy (HCM). Identifiers: Orphanet 99739, MedGen C0949658, MeSH D024741, MONDO:0024573. Inheritance: Various modes of inheritance.

Submissions (2):

Labcorp Genetics (formerly Invitae), Labcorp
Classification: Likely benign for Primary familial hypertrophic cardiomyopathy; Dilated cardiomyopathy 1AA. Last evaluated: 2025-11-17. Review status: criteria provided, single submitter. Criteria: Invitae Variant Classification Sherloc (09022015). Collection method: clinical testing. Allele origin: germline.

GeneDx
Classification: Likely benign. Last evaluated: 2015-12-29. Review status: criteria provided, single submitter. Criteria: GeneDx Variant Classification (06012015). Collection method: clinical testing. Allele origin: germline. Affected: yes.
Comment: This variant is considered likely benign or benign based on one or more of the following criteria: it is a conservative change, it occurs at a poorly conserved position in the protein, it is predicted to be benign by multiple in silico algorithms, and/or has population frequency not consistent with disease.

NM_001103.4(ACTN2):c.1656+12G>T

Gene: ACTN2 (actinin alpha 2; plus strand). Cytogenetic location: 1q43.
Variant type: single nucleotide variant.
Coding change: c.1656+12G>T on transcript NM_001103.4 (MANE Select); 12 bases into the intron after coding-DNA position 1656, G replaced by T.
Molecular consequence: intron variant.
Genome position (GRCh38, 1-based): chr1:236,749,276, G>T. VCF-style: chr1-236749276-G-T. GRCh37 (hg19) VCF-style: chr1-236912576-G-T.
Other names: c.1032+12G>T (NM_001278344.2); c.1656+12G>T (NM_001278343.2).
Identifiers: ClinVar variation 382647 (VCV000382647.9), dbSNP rs768816601, ClinGen allele CA1473211.